The following is an entry in ClinVar:

NM_000059.4(BRCA2):c.5605A>C (p.Ser1869Arg)

Gene: BRCA2 (BRCA2 DNA repair associated; plus strand). Cytogenetic location: 13q13.1.
Variant type: single nucleotide variant.
Coding change: c.5605A>C on transcript NM_000059.4 (MANE Select); coding-DNA position 5605, A replaced by C.
Protein change: p.Ser1869Arg; replaces serine 1869 with arginine.
Molecular consequence: missense variant.
Genome position (GRCh38, 1-based): chr13:32,339,960, A>C. VCF-style: chr13-32339960-A-C. GRCh37 (hg19) VCF-style: chr13-32914097-A-C.
Other names: short protein forms S1869R.
Identifiers: ClinVar variation 441487 (VCV000441487.12), dbSNP rs876659256, ClinGen allele CA387786070.

ClinVar aggregate classification (germline): Conflicting classifications of pathogenicity. Review status: criteria provided, conflicting classifications (1 of 4 stars). 3 submissions from 3 submitters: Uncertain significance (2); Likely benign (1). Last evaluated 2025-08-31.

Conditions:
Hereditary cancer-predisposing syndrome. Also called: Hereditary Cancer Syndrome; Hereditary neoplastic syndrome; Neoplastic Syndromes, Hereditary; Tumor predisposition. Identifiers: Orphanet 140162, MedGen C0027672, MeSH D009386, MONDO:0015356.
Hereditary breast ovarian cancer syndrome. Also called: Hereditary breast and ovarian cancer; Breast and ovarian cancer; Hereditary breast and ovarian cancer syndrome; Hereditary breast and/or ovarian cancer syndrome; BRCA1- and BRCA2-Associated Hereditary Breast and Ovarian Cancer; Hereditary breast and ovarian cancer syndrome (HBOC). Identifiers: Orphanet 145, MedGen C0677776, MeSH D061325, MONDO:0003582. Disease mechanism: loss of function.

Submissions (3):

Ambry Genetics
Classification: Uncertain significance for Hereditary cancer-predisposing syndrome. Last evaluated: 2025-08-31. Review status: criteria provided, single submitter. Criteria: Ambry Variant Classification Scheme 2023. Collection method: clinical testing. Allele origin: germline.
Comment: The p.S1869R variant (also known as c.5605A>C), located in coding exon 10 of the BRCA2 gene, results from an A to C substitution at nucleotide position 5605. The serine at codon 1869 is replaced by arginine, an amino acid with dissimilar properties. This variant was not reported in population based cohorts in the following databases: Database of Single Nucleotide Polymorphisms (dbSNP), NHLBI Exome Sequencing Project (ESP), and 1000 Genomes Project. In the ESP, this variant was not observed in 6502 samples (13004 alleles) with coverage at this position. To date, this alteration has been detected with an allele frequency of approximately 0.0003% (greater than 300000 alleles tested) in our clinical cohort. This amino acid position is poorly conserved in available vertebrate species. In addition, this alteration is predicted to be tolerated by in silico analysis. Since supporting evidence is limited at this time, the clinical significance of this alteration remains unclear.

University of Washington Department of Laboratory Medicine, University of Washington
Classification: Likely benign for Hereditary cancer-predisposing syndrome. Last evaluated: 2023-03-23. Review status: criteria provided, single submitter. Criteria: Dines et al. (Genet Med. 2020). Collection method: curation. Allele origin: germline.
Comment: Missense variant in a coldspot region where missense variants are very unlikely to be pathogenic (PMID:31911673).

BRCA2 exon 11 coldspot. Reclassification based on statistical prior probability.

Labcorp Genetics (formerly Invitae), Labcorp
Classification: Uncertain significance for Hereditary breast ovarian cancer syndrome. Last evaluated: 2022-09-01. Review status: criteria provided, single submitter. Criteria: Invitae Variant Classification Sherloc (09022015). Collection method: clinical testing. Allele origin: germline.
Comment: In summary, the available evidence is currently insufficient to determine the role of this variant in disease. Therefore, it has been classified as a Variant of Uncertain Significance. Advanced modeling of protein sequence and biophysical properties (such as structural, functional, and spatial information, amino acid conservation, physicochemical variation, residue mobility, and thermodynamic stability) performed at Invitae indicates that this missense variant is not expected to disrupt BRCA2 protein function. ClinVar contains an entry for this variant (Variation ID: 441487). This variant has not been reported in the literature in individuals affected with BRCA2-related conditions. This variant is not present in population databases (gnomAD no frequency). This sequence change replaces serine, which is neutral and polar, with arginine, which is basic and polar, at codon 1869 of the BRCA2 protein (p.Ser1869Arg).